The following is an entry in ClinVar:

ClinVar aggregate classification (germline): Uncertain significance (1 of 4 stars; one submission).

Conditions:
Hereditary cancer-predisposing syndrome. Also called: Neoplastic Syndromes, Hereditary; Tumor predisposition; Hereditary Cancer Syndrome; Hereditary neoplastic syndrome. Identifiers: Orphanet 140162, MedGen C0027672, MeSH D009386, MONDO:0015356.

Submission:

Ambry Genetics
Classification: Uncertain significance for Hereditary cancer-predisposing syndrome. Last evaluated: 2022-03-25. Review status: criteria provided, single submitter. Criteria: Ambry Variant Classification Scheme 2023. Collection method: clinical testing. Allele origin: germline.
Comment: The p.N742H variant (also known as c.2224A>C), located in coding exon 4 of the MSH6 gene, results from an A to C substitution at nucleotide position 2224. The asparagine at codon 742 is replaced by histidine, an amino acid with similar properties. This amino acid position is highly conserved in available vertebrate species. In addition, the in silico prediction for this alteration is inconclusive. Since supporting evidence is limited at this time, the clinical significance of this alteration remains unclear.

NM_000179.3(MSH6):c.2224A>C (p.Asn742His)

Gene: MSH6 (mutS homolog 6; plus strand). Cytogenetic location: 2p16.3.
Variant type: single nucleotide variant.
Coding change: c.2224A>C on transcript NM_000179.3 (MANE Select); coding-DNA position 2224, A replaced by C.
Protein change: p.Asn742His; replaces asparagine 742 with histidine.
Molecular consequence: missense variant.
Genome position (GRCh38, 1-based): chr2:47,800,207, A>C. VCF-style: chr2-47800207-A-C. GRCh37 (hg19) VCF-style: chr2-48027346-A-C.
Other names: c.1834A>C, p.Asn612His (NM_001281492.2); c.1318A>C, p.Asn440His (NM_001281493.2, NM_001281494.2, NM_001406811.1 and 6 more transcripts); c.2320A>C, p.Asn774His (NM_001406795.1, NM_001406802.1); c.2224A>C, p.Asn742His (NM_001406796.1, NM_001406798.1, NM_001406800.1 and 3 more transcripts); c.1927A>C, p.Asn643His (NM_001406797.1, NM_001406801.1, NM_001406805.1 and 10 more transcripts); c.1699A>C, p.Asn567His (NM_001406799.1, NM_001406806.1, NM_001406807.1); c.2146A>C, p.Asn716His (NM_001406804.1); c.2230A>C, p.Asn744His (NM_001406813.1); and 1 more; short protein forms N716H, N643H, N774H, N567H, N686H, N440H, N612H, N742H.
Identifiers: ClinVar variation 1787970 (VCV001787970.2), dbSNP rs2104395048, ClinGen allele CA346752454.